The following is an entry in ClinVar:

ClinVar aggregate classification (germline): Uncertain significance (1 of 4 stars; one submission).

Allele frequency attached by ClinVar (database versions not stated): TOPMed 0.00001; ExAC 0.00002.
gnomAD v4.1: 10 of 1,612,540 alleles (0.00062%); highest among the groups gnomAD compares: Middle Eastern, 0.033%; no homozygotes.

Submission:

Labcorp Genetics (formerly Invitae), Labcorp
Classification: Uncertain significance. Last evaluated: 2023-06-29. Review status: criteria provided, single submitter. Criteria: Invitae Variant Classification Sherloc (09022015). Collection method: clinical testing. Allele origin: germline.
Comment: In summary, the available evidence is currently insufficient to determine the role of this variant in disease. Therefore, it has been classified as a Variant of Uncertain Significance. An algorithm developed to predict the effect of missense changes on protein structure and function (PolyPhen-2) suggests that this variant is likely to be tolerated. This variant has not been reported in the literature in individuals affected with PALM-related conditions. This variant is present in population databases (rs755485847, gnomAD 0.007%). This sequence change replaces proline, which is neutral and non-polar, with leucine, which is neutral and non-polar, at codon 287 of the PALM protein (p.Pro287Leu).

NM_002579.3(PALM):c.860C>T (p.Pro287Leu)

Gene: PALM (paralemmin; plus strand). Cytogenetic location: 19p13.3.
Variant type: single nucleotide variant.
Coding change: c.860C>T on transcript NM_002579.3 (MANE Select); coding-DNA position 860, C replaced by T.
Protein change: p.Pro287Leu; replaces proline 287 with leucine.
Molecular consequence: missense variant.
Genome position (GRCh38, 1-based): chr19:746,510, C>T. VCF-style: chr19-746510-C-T. GRCh37 (hg19) VCF-style: chr19-746510-C-T.
Other names: c.728C>T, p.Pro243Leu (NM_001040134.2); short protein forms P243L, P287L.
Identifiers: ClinVar variation 2894355 (VCV002894355.3), dbSNP rs755485847, ClinGen allele CA9022804.